The following is an entry in ClinVar:

ClinVar aggregate classification (germline): Uncertain significance (1 of 4 stars; one submission).

Conditions:
Progressive familial heart block type IB (PFHB1B). Identifiers: Orphanet 871, MedGen C1970298, MONDO:0011474, OMIM 604559.

Submission:

Labcorp Genetics (formerly Invitae), Labcorp
Classification: Uncertain significance for Progressive familial heart block type IB. Last evaluated: 2023-12-10. Review status: criteria provided, single submitter. Criteria: Invitae Variant Classification Sherloc (09022015). Collection method: clinical testing. Allele origin: germline.
Comment: This sequence change replaces asparagine, which is neutral and polar, with aspartic acid, which is acidic and polar, at codon 1032 of the TRPM4 protein (p.Asn1032Asp). This variant is not present in population databases (gnomAD no frequency). This variant has not been reported in the literature in individuals affected with TRPM4-related conditions. An algorithm developed to predict the effect of missense changes on protein structure and function (PolyPhen-2) suggests that this variant is likely to be tolerated. In summary, the available evidence is currently insufficient to determine the role of this variant in disease. Therefore, it has been classified as a Variant of Uncertain Significance.

NM_017636.4(TRPM4):c.3094A>G (p.Asn1032Asp)

Gene: TRPM4 (transient receptor potential cation channel subfamily M member 4; plus strand). Cytogenetic location: 19q13.33.
Variant type: single nucleotide variant.
Coding change: c.3094A>G on transcript NM_017636.4 (MANE Select); coding-DNA position 3094, A replaced by G.
Protein change: p.Asn1032Asp; replaces asparagine 1032 with aspartic acid.
Molecular consequence: missense variant.
Genome position (GRCh38, 1-based): chr19:49,202,104, A>G. VCF-style: chr19-49202104-A-G. GRCh37 (hg19) VCF-style: chr19-49705361-A-G.
Other names: c.2749A>G, p.Asn917Asp (NM_001321281.2); c.1486A>G, p.Asn496Asp (NM_001321282.2); c.2572A>G, p.Asn858Asp (NM_001321283.2); c.2659A>G, p.Asn887Asp (NM_001195227.2); c.2032A>G, p.Asn678Asp (NM_001321285.2); short protein forms N1032D, N887D, N496D, N678D, N858D, N917D.
Identifiers: ClinVar variation 2812900 (VCV002812900.3), dbSNP rs2514209993, ClinGen allele CA406812941.